The following is an entry in ClinVar:

NM_000553.6(WRN):c.1178T>A (p.Met393Lys)

Gene: WRN (WRN RecQ like helicase; plus strand). Cytogenetic location: 8p12.
Variant type: single nucleotide variant.
Coding change: c.1178T>A on transcript NM_000553.6 (MANE Select); coding-DNA position 1178, T replaced by A.
Protein change: p.Met393Lys; replaces methionine 393 with lysine.
Molecular consequence: missense variant.
Genome position (GRCh38, 1-based): chr8:31,081,205, T>A. VCF-style: chr8-31081205-T-A. GRCh37 (hg19) VCF-style: chr8-30938721-T-A.
Other names: short protein forms M393K.
Identifiers: ClinVar variation 2420408 (VCV002420408.6), dbSNP rs1322387323, ClinGen allele CA370921120.
Genomic context (GRCh38, chr8:31,081,205, plus strand): 5'-GATTTGAAGATGGAGTAGAAGACAACAAATTGAAAGAGAATATGGAAAGAGCTTGTTTGA[T>A]GTCGTTAGATATTACAGAACATGAACTCCAAATTTTGGAACAGCAGTCTCAGGAAGAATA-3'
Protein context (NP_000544.2, residues 383-403): LKENMERACL[Met393Lys]SLDITEHELQ

ClinVar aggregate classification (germline): Uncertain significance (1 of 4 stars; one submission).

Conditions:
Werner syndrome (WRN). Identifiers: Orphanet 902, MedGen C0043119, MONDO:0010196, OMIM 277700.

Submission:

Labcorp Genetics (formerly Invitae), Labcorp
Classification: Uncertain significance for Werner syndrome. Last evaluated: 2022-05-05. Review status: criteria provided, single submitter. Criteria: Invitae Variant Classification Sherloc (09022015). Collection method: clinical testing. Allele origin: germline.
Comment: This sequence change replaces methionine, which is neutral and non-polar, with lysine, which is basic and polar, at codon 393 of the WRN protein (p.Met393Lys). In summary, the available evidence is currently insufficient to determine the role of this variant in disease. Therefore, it has been classified as a Variant of Uncertain Significance. Algorithms developed to predict the effect of missense changes on protein structure and function are either unavailable or do not agree on the potential impact of this missense change (SIFT: "Not Available"; PolyPhen-2: "Possibly Damaging"; Align-GVGD: "Not Available"). This variant has not been reported in the literature in individuals affected with WRN-related conditions. This variant is not present in population databases (gnomAD no frequency).